The following is an entry in ClinVar:

NM_000219.6(KCNE1):c.67C>T (p.Gln23Ter)

Gene: KCNE1 (potassium voltage-gated channel subfamily E regulatory subunit 1; minus strand). Cytogenetic location: 21q22.12.
Variant type: single nucleotide variant.
Coding change: c.67C>T on transcript NM_000219.6 (MANE Select); coding-DNA position 67, C replaced by T.
Protein change: p.Gln23Ter; replaces glutamine 23 with a stop codon.
Molecular consequence: nonsense.
Genome position (GRCh38, 1-based): chr21:34,449,568, G>A on the plus strand (C>T on the coding strand, the complement: KCNE1 is on the minus strand). VCF-style: chr21-34449568-G-A. GRCh37 (hg19) VCF-style: chr21-35821866-G-A.
Other names: c.67C>T, p.Gln23Ter (NM_001127668.4, NM_001127669.4, NM_001127670.4 and 4 more transcripts); short protein forms Q23*.
Identifiers: ClinVar variation 3373957 (VCV003373957.2).

Conditions:
Long QT syndrome 5 (LQT5). Identifiers: Orphanet 101016, Orphanet 768, MedGen C1867904, MONDO:0013372, OMIM 613695.

Submission:

Roden Lab, Vanderbilt University Medical Center
No classification provided (evidence only). Condition: Long QT syndrome 5. Review status: no classification provided. Collection method: in vitro. Allele origin: not applicable. Functional consequence: Effect on ion channel function.
ClinVar note: "not provided" was previously submitted as the classification for the variant. However, the classification appeared to be based only on an observation of functional data so it was converted to no classification on 2025-07-30.